The following is an entry in ClinVar:

ClinVar aggregate classification (germline): Conflicting classifications of pathogenicity. Review status: criteria provided, conflicting classifications (1 of 4 stars). 3 submissions from 3 submitters: Pathogenic (1); Uncertain significance (2). Last evaluated 2024-10-17.

Conditions:
Klippel-Feil anomaly-myopathy-facial dysmorphism syndrome. Also called: Klippel-feil syndrome 4, autosomal recessive, with nemaline myopathy and facial dysmorphism; Klippel-Feil syndrome 4, autosomal recessive, with myopathy and facial dysmorphism. Identifiers: Orphanet 447974, MedGen C4225285, MONDO:0014689, OMIM 616549.

Allele frequency attached by ClinVar (database versions not stated): gnomAD 0.00001 and 0.00002; TOPMed 0.00001; gnomAD exomes 0.00002 and 0.00003; ExAC 0.00004; 1000 Genomes Project 30x 0.00016; 1000 Genomes Project 0.00020.
gnomAD v4.1: 39 of 1,613,984 alleles (0.0024%); highest among the groups gnomAD compares: Admixed American, 0.005%; no homozygotes.

Submissions (3):

Labcorp Genetics (formerly Invitae), Labcorp
Classification: Pathogenic. Last evaluated: 2024-10-17. Review status: criteria provided, single submitter. Criteria: Invitae Variant Classification Sherloc (09022015). Collection method: clinical testing. Allele origin: germline.
Comment: This sequence change creates a premature translational stop signal (p.Arg2532*) in the MYO18B gene. It is expected to result in an absent or disrupted protein product. Loss-of-function variants in MYO18B are known to be pathogenic (PMID: 25748484, 32184166, 32637634). This variant is present in population databases (rs549856684, gnomAD 0.007%). This variant has not been reported in the literature in individuals affected with MYO18B-related conditions. ClinVar contains an entry for this variant (Variation ID: 1367348). For these reasons, this variant has been classified as Pathogenic.

Blueprint Genetics
Classification: Uncertain significance. Last evaluated: 2022-04-01. Review status: criteria provided, single submitter. Criteria: ACMG Guidelines, 2015. Collection method: clinical testing. Allele origin: germline.

Juno Genomics, Hangzhou Juno Genomics, Inc
Classification: Uncertain significance for Klippel-Feil anomaly-myopathy-facial dysmorphism syndrome. Review status: criteria provided, single submitter. Criteria: ACMG Guidelines, 2015. Collection method: clinical testing. Allele origin: germline.
Comment: Null variant in a gene where loss of function (LOF) is a known mechanism of disease.;Absent from controls (or at extremely low frequency if recessive) in Genome Aggregation Database.

Literature cited by the submitters: PubMed 25748484 (cited by Labcorp Genetics (formerly Invitae), Labcorp); PubMed 32184166 (cited by Labcorp Genetics (formerly Invitae), Labcorp); PubMed 32637634 (cited by Labcorp Genetics (formerly Invitae), Labcorp).

NM_032608.7(MYO18B):c.7594C>T (p.Arg2532Ter)

Gene: MYO18B (myosin XVIIIB; plus strand). Cytogenetic location: 22q12.1.
Variant type: single nucleotide variant.
Coding change: c.7594C>T on transcript NM_032608.7 (MANE Select); coding-DNA position 7594, C replaced by T.
Protein change: p.Arg2532Ter; replaces arginine 2532 with a stop codon.
Molecular consequence: nonsense.
Genome position (GRCh38, 1-based): chr22:26,027,568, C>T. VCF-style: chr22-26027568-C-T. GRCh37 (hg19) VCF-style: chr22-26423534-C-T.
Other names: c.7597C>T, p.Arg2533Ter (NM_001318245.2); short protein forms R2533*, R2532*.
Identifiers: ClinVar variation 1367348 (VCV001367348.9), dbSNP rs549856684, ClinGen allele CA10161815.
Genomic context (GRCh38, chr22:26,027,568, plus strand): 5'-TCCGGCTCCATCGTGTCCTTCAAAAGTGCTGACAGCATCAAAAGTCGACCAGGAATCCCA[C>T]GACTTGCGGGTGACGGTGGCGAGCGAACGTCCCCCGAGCGGAGAGAGCCAGGGACGGGGA-3'